The following is an entry in ClinVar:

ClinVar aggregate classification (germline): Uncertain significance (1 of 4 stars; one submission).

gnomAD v4.1: 109 of 1,613,902 alleles (0.0068%); highest among the groups gnomAD compares: Non-Finnish European, 0.0081%; no homozygotes.

Submission:

Labcorp Genetics (formerly Invitae), Labcorp
Classification: Uncertain significance. Last evaluated: 2025-07-03. Review status: criteria provided, single submitter. Criteria: Invitae Variant Classification Sherloc (09022015). Collection method: clinical testing. Allele origin: germline.
Comment: This sequence change replaces lysine, which is basic and polar, with glutamic acid, which is acidic and polar, at codon 247 of the APOA4 protein (p.Lys247Glu). This variant is present in population databases (rs780328988, gnomAD 0.005%). This missense change has been observed in individual(s) with APOA4-related conditions (PMID: 36325899). ClinVar contains an entry for this variant (Variation ID: 3625928). Invitae Evidence Modeling of protein sequence and biophysical properties (such as structural, functional, and spatial information, amino acid conservation, physicochemical variation, residue mobility, and thermodynamic stability) indicates that this missense variant is expected to disrupt APOA4 protein function with a positive predictive value of 80%. In summary, the available evidence is currently insufficient to determine the role of this variant in disease. Therefore, it has been classified as a Variant of Uncertain Significance.

Literature cited by the submitters: PubMed 36325899.

NM_000482.4(APOA4):c.739A>G (p.Lys247Glu)

Gene: APOA4 (apolipoprotein A4; minus strand). Cytogenetic location: 11q23.3.
Variant type: single nucleotide variant.
Coding change: c.739A>G on transcript NM_000482.4 (MANE Select); coding-DNA position 739, A replaced by G.
Protein change: p.Lys247Glu; replaces lysine 247 with glutamic acid.
Molecular consequence: missense variant.
Genome position (GRCh38, 1-based): chr11:116,821,319, T>C on the plus strand (A>G on the coding strand, the complement: APOA4 is on the minus strand). VCF-style: chr11-116821319-T-C. GRCh37 (hg19) VCF-style: chr11-116692035-T-C.
Other names: short protein forms K247E.
Identifiers: ClinVar variation 3625928 (VCV003625928.2).
Genomic context (GRCh38, chr11:116,821,319, plus strand): 5'-GCCTCTGCCGCAGCTCCTCGGCACTGGCCGAGATCCTGGCCTTGAGCTCCTCGGCGTTCT[T>C]CTTCATCTGGAAGGTCAGGCCCTCAAGCTGGTGGTTGAGCTTCTCCTGCGTGTCCTGAGC-3'
Protein context (NP_000473.2, residues 237-257): QLEGLTFQMK[Lys247Glu]NAEELKARIS